The following is an entry in ClinVar:

NM_001903.5(CTNNA1):c.1602T>C (p.Asp534=)

Gene: CTNNA1 (catenin alpha 1; plus strand). Cytogenetic location: 5q31.2.
Variant type: single nucleotide variant.
Coding change: c.1602T>C on transcript NM_001903.5 (MANE Select); coding-DNA position 1602, T replaced by C.
Protein change: p.Asp534=; no amino-acid change (aspartic acid 534 retained).
Molecular consequence: synonymous variant.
Genome position (GRCh38, 1-based): chr5:138,924,565, T>C. VCF-style: chr5-138924565-T-C. GRCh37 (hg19) VCF-style: chr5-138260254-T-C.
Other names: c.1602T>C, p.Asp534= (NM_001290307.3, NM_001323982.2, NM_001323983.1 and 2 more transcripts); c.1293T>C, p.Asp431= (NM_001290309.3); c.1233T>C, p.Asp411= (NM_001290310.3); c.492T>C, p.Asp164= (NM_001290312.1, NM_001323987.1, NM_001323988.1 and 17 more transcripts); c.1509T>C, p.Asp503= (NM_001323986.2); c.153T>C, p.Asp51= (NM_001324006.1, NM_001324007.1, NM_001324008.1 and 2 more transcripts); c.399T>C, p.Asp133= (NM_001324011.1); c.249T>C, p.Asp83= (NM_001324012.1, NM_001324013.1).
Identifiers: ClinVar variation 1159805 (VCV001159805.12), dbSNP rs1310980008, ClinGen allele CA446596844.
Genomic context (GRCh38, chr5:138,924,565, plus strand): 5'-TCCAGAGAATCACATTTTGGAAGATGTGAACAAATGTGTCATTGCTCTCCAAGAGAAGGA[T>C]GTGGATGGCCTGGACCGCACAGCTGGTGCAATTCGAGGCCGGGCAGCCCGGGTCATTCAC-3'
Protein context (NP_001894.2, residues 524-544): NKCVIALQEK[Asp534=]VDGLDRTAGA

ClinVar aggregate classification (germline): Benign/Likely benign. Review status: criteria provided, multiple submitters, no conflicts (2 of 4 stars). 3 submissions from 3 submitters: Benign (1); Likely benign (2). Last evaluated 2024-10-11.

Conditions:
Hereditary diffuse gastric adenocarcinoma (HDGC). Also called: DIFFUSE GASTRIC AND LOBULAR BREAST CANCER SYNDROME. Identifiers: Orphanet 26106, MedGen C1708349, MONDO:0007648, OMIM 137215.
Hereditary cancer-predisposing syndrome. Also called: Neoplastic Syndromes, Hereditary; Hereditary Cancer Syndrome; Hereditary neoplastic syndrome; Tumor predisposition. Identifiers: Orphanet 140162, MedGen C0027672, MeSH D009386, MONDO:0015356.

Allele frequency attached by ClinVar (database versions not stated): gnomAD 0.00001; gnomAD exomes 0.00001 and 0.00002.
gnomAD v4.1: 15 of 1,614,114 alleles (0.00093%); highest among the groups gnomAD compares: South Asian, 0.016%; no homozygotes.

Submissions (3):

Myriad Genetics, Inc.
Classification: Benign for Hereditary diffuse gastric adenocarcinoma. Last evaluated: 2024-10-11. Review status: criteria provided, single submitter. Criteria: Myriad Autosomal Dominant, Autosomal Recessive and X-Linked Classification Criteria (2023). Collection method: clinical testing. Allele origin: unknown.
Comment: This variant is considered benign. This variant is a silent/synonymous amino acid change and it is not expected to impact splicing.

Labcorp Genetics (formerly Invitae), Labcorp
Classification: Likely benign. Last evaluated: 2024-06-13. Review status: criteria provided, single submitter. Criteria: Invitae Variant Classification Sherloc (09022015). Collection method: clinical testing. Allele origin: germline.

Ambry Genetics
Classification: Likely benign for Hereditary cancer-predisposing syndrome. Last evaluated: 2021-01-16. Review status: criteria provided, single submitter. Criteria: Ambry Variant Classification Scheme 2023. Collection method: clinical testing. Allele origin: germline.